The following is an entry in ClinVar:

NM_001042492.3(NF1):c.572A>C (p.Lys191Thr)

Gene: NF1 (neurofibromin 1; plus strand). Cytogenetic location: 17q11.2.
Variant type: single nucleotide variant.
Coding change: c.572A>C on transcript NM_001042492.3 (MANE Select); coding-DNA position 572, A replaced by C.
Protein change: p.Lys191Thr; replaces lysine 191 with threonine.
Molecular consequence: missense variant.
Genome position (GRCh38, 1-based): chr17:31,169,983, A>C. VCF-style: chr17-31169983-A-C. GRCh37 (hg19) VCF-style: chr17-29497001-A-C.
Other names: c.572A>C, p.Lys191Thr (NM_000267.4, NM_001128147.3); short protein forms K191T.
Identifiers: ClinVar variation 484008 (VCV000484008.10), dbSNP rs1555607113, ClinGen allele CA398985415.

ClinVar aggregate classification (germline): Uncertain significance. Review status: criteria provided, multiple submitters, no conflicts (2 of 4 stars). 4 submissions from 3 submitters: Uncertain significance (4). Last evaluated 2022-03-12.

Conditions:
Cardiovascular phenotype. Identifiers: MedGen CN230736.
Hereditary cancer-predisposing syndrome. Also called: Hereditary neoplastic syndrome; Neoplastic Syndromes, Hereditary; Tumor predisposition; Hereditary Cancer Syndrome. Identifiers: Orphanet 140162, MedGen C0027672, MeSH D009386, MONDO:0015356.
Neurofibromatosis, type 1 (NF1). Also called: VON RECKLINGHAUSEN DISEASE; Peripheral type neurofibromatosis; NEUROFIBROMATOSIS, TYPE I, SOMATIC; Neurofibromatosis, type I. Identifiers: Orphanet 636, MedGen C0027831, MONDO:0018975, OMIM 162200. Disease mechanism: loss of function.

Submissions (4):

Labcorp Genetics (formerly Invitae), Labcorp
Classification: Uncertain significance for Neurofibromatosis, type 1. Last evaluated: 2022-03-12. Review status: criteria provided, single submitter. Criteria: Invitae Variant Classification Sherloc (09022015). Collection method: clinical testing. Allele origin: germline.
Comment: In summary, the available evidence is currently insufficient to determine the role of this variant in disease. Therefore, it has been classified as a Variant of Uncertain Significance. Algorithms developed to predict the effect of missense changes on protein structure and function are either unavailable or do not agree on the potential impact of this missense change (SIFT: "Deleterious"; PolyPhen-2: "Benign"; Align-GVGD: "Class C0"). ClinVar contains an entry for this variant (Variation ID: 484008). This variant has not been reported in the literature in individuals affected with NF1-related conditions. This variant is not present in population databases (gnomAD no frequency). This sequence change replaces lysine, which is basic and polar, with threonine, which is neutral and polar, at codon 191 of the NF1 protein (p.Lys191Thr).

Ambry Genetics
Classification: Uncertain significance for Cardiovascular phenotype; Hereditary cancer-predisposing syndrome. Last evaluated: 2021-11-17. Review status: criteria provided, single submitter. Criteria: Ambry Variant Classification Scheme 2023. Collection method: clinical testing. Allele origin: germline.

Ambry Genetics
Classification: Uncertain significance for Hereditary cancer-predisposing syndrome. Last evaluated: 2016-02-19. Review status: criteria provided, single submitter. Criteria: Ambry Autosomal Dominant and X-Linked criteria (10/2015). Collection method: clinical testing. Allele origin: germline. Observed: 1 variant allele.
Comment: The p.K191T variant (also known as c.572A>C), located in coding exon 5 of the NF1 gene, results from an A to C substitution at nucleotide position 572. The lysine at codon 191 is replaced by threonine, an amino acid with similar properties. This variant was not reported in population based cohorts in the following databases: Database of Single Nucleotide Polymorphisms (dbSNP), NHLBI Exome Sequencing Project (ESP), and 1000 Genomes Project. In the ESP, this variant was not observed in 6501 samples (13002 alleles) with coverage at this position. To date, this alteration has been detected with an allele frequency of approximately 0.001% (greater than 110000 alleles tested) in our clinical cohort.This amino acid position is highly conserved in available vertebrate species. In addition, this alteration is predicted to be deleterious by in silico analysis.Since supporting evidence is limited at this time, the clinical significance of this alterationremains unclear.

Breakthrough Genomics
Classification: Uncertain significance. Review status: criteria provided, single submitter. Criteria: ACMG Guidelines, 2015. Collection method: not provided. Allele origin: germline. Inheritance: Autosomal dominant inheritance. Affected: yes.